The following is an entry in ClinVar:

NM_022168.4(IFIH1):c.2558T>C (p.Met853Thr)

Gene: IFIH1 (interferon induced with helicase C domain 1; minus strand). Cytogenetic location: 2q24.2.
Variant type: single nucleotide variant.
Coding change: c.2558T>C on transcript NM_022168.4 (MANE Select); coding-DNA position 2558, T replaced by C.
Protein change: p.Met853Thr; replaces methionine 853 with threonine.
Molecular consequence: missense variant.
Genome position (GRCh38, 1-based): chr2:162,272,284, A>G on the plus strand (T>C on the coding strand, the complement: IFIH1 is on the minus strand). VCF-style: chr2-162272284-A-G. GRCh37 (hg19) VCF-style: chr2-163128794-A-G.
Other names: short protein forms M853T.
Identifiers: ClinVar variation 1201361 (VCV001201361.11), dbSNP rs1691055209, ClinGen allele CA348994102.

ClinVar aggregate classification (germline): Uncertain significance. Review status: criteria provided, multiple submitters, no conflicts (2 of 4 stars). 4 submissions from 4 submitters: Uncertain significance (4). Last evaluated 2025-08-19.

Conditions:
Aicardi-Goutieres syndrome 7 (AGS7). Identifiers: Orphanet 51, MedGen C3888244, MONDO:0014367, OMIM 615846.
Immunodeficiency 95 (IMD95). Identifiers: MedGen C5676929, MONDO:0030692, OMIM 619773.
Singleton-Merten syndrome 1 (SGMRT1). Also called: Widened medullary cavities of bone, aortic calcification, abnormal dentition, and muscular weakness; Syndrome of widened medullary cavities of the metacarpals and phalanges, aortic calcification and abnormal dentition. Identifiers: Orphanet 85191, MedGen C4225427, MONDO:0024535, OMIM 182250.
IFIH1-related interferonopathy.

Allele frequency attached by ClinVar (database versions not stated): gnomAD exomes below 0.00001; TOPMed below 0.00001.
gnomAD v4.1: 1 of 1,612,396 alleles (0.000062%); highest among the groups gnomAD compares: Non-Finnish European, 0.000085%; no homozygotes.

Submissions (4):

Labcorp Genetics (formerly Invitae), Labcorp
Classification: Uncertain significance for Aicardi-Goutieres syndrome 7; Singleton-Merten syndrome 1. Last evaluated: 2025-08-19. Review status: criteria provided, single submitter. Criteria: Invitae Variant Classification Sherloc (09022015). Collection method: clinical testing. Allele origin: germline.
Comment: This sequence change replaces methionine, which is neutral and non-polar, with threonine, which is neutral and polar, at codon 853 of the IFIH1 protein (p.Met853Thr). This variant is not present in population databases (gnomAD no frequency). This variant has not been reported in the literature in individuals affected with IFIH1-related conditions. ClinVar contains an entry for this variant (Variation ID: 1201361). Invitae Evidence Modeling of protein sequence and biophysical properties (such as structural, functional, and spatial information, amino acid conservation, physicochemical variation, residue mobility, and thermodynamic stability) has been performed for this missense variant. However, the output from this modeling did not meet the statistical confidence thresholds required to predict the impact of this variant on IFIH1 protein function. In summary, the available evidence is currently insufficient to determine the role of this variant in disease. Therefore, it has been classified as a Variant of Uncertain Significance.

Fulgent Genetics
Classification: Uncertain significance for Singleton-Merten syndrome 1; Aicardi-Goutieres syndrome 7; Immunodeficiency 95. Last evaluated: 2024-05-02. Review status: criteria provided, single submitter. Criteria: ACMG Guidelines, 2015. Collection method: clinical testing. Allele origin: germline.

Illumina Laboratory Services, Illumina
Classification: Uncertain significance for IFIH1-related interferonopathy. Last evaluated: 2023-08-07. Review status: criteria provided, single submitter. Criteria: ICSLVariantClassificationCriteria RUGD 01 April 2020. Collection method: clinical testing. Allele origin: unknown.
Comment: The IFIH1 c.2558T>C (p.Met853Thr) missense variant has not, to our knowledge, been reported in the peer-reviewed literature. This variant is not observed in version 2.1.1 or version 3.1.2 of the Genome Aggregation Database. The Met853 residue is located in the pincer region between the helicase and carboxy-terminal domain (PMID: 31898846). Based on the available evidence, the c.2558T>C (p.Met853Thr) variant is classified as a variant of uncertain significance for IFIH1-related interferonopathy.

GeneDx
Classification: Uncertain significance. Last evaluated: 2020-03-18. Review status: criteria provided, single submitter. Criteria: GeneDx Variant Classification Process June 2021. Collection method: clinical testing. Allele origin: germline. Affected: yes.
Comment: Not observed in large population cohorts (Lek et al., 2016); In silico analysis supports that this missense variant has a deleterious effect on protein structure/function; Has not been previously published as pathogenic or benign to our knowledge